The following is an entry in ClinVar:

ClinVar aggregate classification (germline): Pathogenic. Review status: criteria provided, multiple submitters, no conflicts (2 of 4 stars). 8 submissions from 8 submitters: Pathogenic (6). 2 of the submissions do not count toward it. Last evaluated 2025-05-15.

Conditions:
IL12RB1-related disorder. Also called: IL12RB1-related condition.
IL12RB1-related disorders.
Mendelian susceptibility to mycobacterial diseases due to complete IL12RB1 deficiency. Also called: IL12RB1 DEFICIENCY; Immunodeficiency 30. Identifiers: Orphanet 319552, MedGen C4013949, MONDO:0013955, OMIM 614891.

Allele frequency attached by ClinVar (database versions not stated): ExAC 0.00007; gnomAD exomes 0.00008 and 0.00018; TOPMed 0.00009; gnomAD 0.00010 and 0.00011.

Submissions (8):

Labcorp Genetics (formerly Invitae), Labcorp
Classification: Pathogenic for Mendelian susceptibility to mycobacterial diseases due to complete IL12RB1 deficiency. Last evaluated: 2025-05-15. Review status: criteria provided, single submitter. Criteria: Invitae Variant Classification Sherloc (09022015). Collection method: clinical testing. Allele origin: germline.
Comment: This sequence change creates a premature translational stop signal (p.Gln32*) in the IL12RB1 gene. It is expected to result in an absent or disrupted protein product. Loss-of-function variants in IL12RB1 are known to be pathogenic (PMID: 9603733, 12591909). This variant is present in population databases (rs121434492, gnomAD 0.02%). This premature translational stop signal has been observed in individual(s) with Mendelian susceptibility to mycobacterial disease (PMID: 9603733). ClinVar contains an entry for this variant (Variation ID: 8032). Algorithms developed to predict the effect of sequence changes on RNA splicing suggest that this variant may disrupt the consensus splice site. For these reasons, this variant has been classified as Pathogenic.

Blueprint Genetics
Classification: Pathogenic for IL12RB1-related disorders. Last evaluated: 2024-05-30. Review status: criteria provided, single submitter. Criteria: ACMG Guidelines, 2015. Collection method: clinical testing. Allele origin: germline. Affected: yes. Observed: 5 variant alleles.

Fulgent Genetics
Classification: Pathogenic for Mendelian susceptibility to mycobacterial diseases due to complete IL12RB1 deficiency. Last evaluated: 2022-04-29. Review status: criteria provided, single submitter. Criteria: ACMG Guidelines, 2015. Collection method: clinical testing. Allele origin: unknown.

AiLife Diagnostics
Classification: Pathogenic. Last evaluated: 2022-03-17. Review status: criteria provided, single submitter. Criteria: ACMG Guidelines, 2015. Collection method: clinical testing. Allele origin: germline. Affected: yes. Observed: 1 variant allele.

CeGaT Center for Human Genetics Tuebingen
Classification: Pathogenic. Last evaluated: 2018-08-01. Review status: criteria provided, single submitter. Criteria: CeGaT Center For Human Genetics Tuebingen Variant Classification Criteria Version 2. Collection method: clinical testing. Allele origin: germline. Affected: yes. Observed: 1 variant allele.

Eurofins Ntd Llc (ga)
Classification: Pathogenic. Last evaluated: 2016-03-02. Review status: criteria provided, single submitter. Criteria: EGL Classification Definitions 2015. Collection method: clinical testing. Allele origin: germline. Observed: 1 variant allele, 1 heterozygote.

PreventionGenetics, part of Exact Sciences
Classification: Pathogenic for IL12RB1-related condition. Last evaluated: 2024-04-13. Review status: no assertion criteria provided. Collection method: clinical testing. Allele origin: germline. Not counted in ClinVar's aggregate classification.
Comment: The IL12RB1 c.94C>T variant is predicted to result in premature protein termination (p.Gln32*). This variant was reported in three individuals with interleukin-12 receptor deficiency (de Jong et al. 1998. PubMed ID: 9603733; Fieschi C et al 2003. PubMed ID: 12591909). This variant is reported in 0.018% of alleles in individuals of European (Non-Finnish) descent in gnomAD. Nonsense variants in IL12RB1 are expected to be pathogenic. This variant is interpreted as pathogenic.

OMIM
Classification: Pathogenic for IMMUNODEFICIENCY 30. Last evaluated: 1998-05-29. Review status: no assertion criteria provided. Collection method: literature only. Allele origin: germline. Not counted in ClinVar's aggregate classification.

Literature cited by the submitters: PubMed 9603733 (cited by 3 submitters); PubMed 12591909 (cited by Labcorp Genetics (formerly Invitae), Labcorp); PubMed 27329137 (cited by AiLife Diagnostics); PubMed 25525159 (cited by AiLife Diagnostics).

NM_005535.3(IL12RB1):c.94C>T (p.Gln32Ter)

Gene: IL12RB1 (interleukin 12 receptor subunit beta 1; minus strand). Cytogenetic location: 19p13.11.
Variant type: single nucleotide variant.
Coding change: c.94C>T on transcript NM_005535.3 (MANE Select); coding-DNA position 94, C replaced by T.
Protein change: p.Gln32Ter; replaces glutamine 32 with a stop codon.
Molecular consequence: nonsense.
Genome position (GRCh38, 1-based): chr19:18,083,462, G>A on the plus strand (C>T on the coding strand, the complement: IL12RB1 is on the minus strand). VCF-style: chr19-18083462-G-A. GRCh37 (hg19) VCF-style: chr19-18194272-G-A.
Other names: c.94C>T, p.Gln32Ter (NM_001290023.2, NM_153701.3); c.214C>T, p.Gln72Ter (NM_001290024.2); short protein forms Q32*, Q72*.
Identifiers: ClinVar variation 8032 (VCV000008032.57), dbSNP rs121434492, ClinGen allele CA119239.
Genomic context (GRCh38, chr19:18,083,462, plus strand): 5'-CTCAGCCAACAATGAGGAACTGCCCCGAACCTGAGTCTGCATCCGGATATGGCGGGTCCT[G>A]AAAACAGCACTCACTGGTTCTGCAGGCAGCTGCAAAGGCAATGAAGACATAATGACATTC-3'